The following is an entry in ClinVar:

ClinVar aggregate classification (germline): Benign (1 of 4 stars; one submission).

Submission:

GeneDx
Classification: Benign. Last evaluated: 2019-10-17. Review status: criteria provided, single submitter. Criteria: GeneDx Variant Classification Process June 2021. Collection method: clinical testing. Allele origin: germline. Affected: yes.
Comment: This variant is associated with the following publications: (PMID: 27421018)

NM_030953.4(TIGD6):c.1032del (p.Glu345fs)

Gene: TIGD6 (tigger transposable element derived 6; minus strand). Cytogenetic location: 5q32.
Variant type: Deletion.
Coding change: c.1032del on transcript NM_030953.4 (MANE Select); coding-DNA position 1032, one base deleted (A; older notation c.1032delA).
Protein change: p.Glu345fs; shifts the reading frame from glutamic acid 345.
Molecular consequence: frameshift variant.
Genome position (GRCh38, 1-based): chr5:149,995,317, T deleted on the plus strand (A on the coding strand, the reverse complement: TIGD6 is on the minus strand); the first of 2 consecutive T bases (chr5:149,995,317-149,995,318); deleting either gives the same sequence. VCF-style (leftmost placement, unchanged base first): chr5-149995316-CT-C. GRCh37 (hg19) VCF-style: chr5-149374879-CT-C.
Other names: c.1032del, p.Glu345fs (NM_001243253.2); short protein forms E345fs.
Identifiers: ClinVar variation 1273227 (VCV001273227.1), dbSNP rs3832324, ClinGen allele CA3505699.